The following is an entry in ClinVar:

ClinVar aggregate classification (germline): Uncertain significance (1 of 4 stars; one submission).

Conditions:
Palatal anomalies-widely spaced teeth-facial dysmorphism-developmental delay syndrome. Also called: Cleft palate, psychomotor retardation, and distinctive facial features. Identifiers: Orphanet 477993, MedGen C4225229, MONDO:0014751, OMIM 616728.

Submission:

Laboratorio de Genetica e Diagnostico Molecular, Hospital Israelita Albert Einstein
Classification: Uncertain significance for Palatal anomalies-widely spaced teeth-facial dysmorphism-developmental delay syndrome. Last evaluated: 2023-08-21. Review status: criteria provided, single submitter. Criteria: ACMG Guidelines, 2015. Collection method: clinical testing. Allele origin: germline. Affected: yes.
Comment: ACMG classification criteria: PM2 moderate, PP2 supporting, PP3 supporting

NM_001009999.3(KDM1A):c.943C>G (p.Arg315Gly)

Gene: KDM1A (lysine demethylase 1A; plus strand). Cytogenetic location: 1p36.12.
Variant type: single nucleotide variant.
Coding change: c.943C>G on transcript NM_001009999.3 (MANE Select); coding-DNA position 943, C replaced by G.
Protein change: p.Arg315Gly; replaces arginine 315 with glycine.
Molecular consequence: missense variant.
Genome position (GRCh38, 1-based): chr1:23,055,991, C>G. VCF-style: chr1-23055991-C-G. GRCh37 (hg19) VCF-style: chr1-23382484-C-G.
Other names: c.883C>G, p.Arg295Gly (NM_001363654.2, NM_001410763.1, NM_015013.4); c.943C>G, p.Arg315Gly (NM_001410762.1); short protein forms R295G, R315G.
Identifiers: ClinVar variation 4056533 (VCV004056533.1).